The following is an entry in ClinVar:

NM_001205293.3(CACNA1E):c.695T>G (p.Ile232Ser)

Gene: CACNA1E (calcium voltage-gated channel subunit alpha1 E; plus strand). Cytogenetic location: 1q25.3.
Variant type: single nucleotide variant.
Coding change: c.695T>G on transcript NM_001205293.3 (MANE Select); coding-DNA position 695, T replaced by G.
Protein change: p.Ile232Ser; replaces isoleucine 232 with serine.
Molecular consequence: missense variant.
Genome position (GRCh38, 1-based): chr1:181,579,150, T>G. VCF-style: chr1-181579150-T-G. GRCh37 (hg19) VCF-style: chr1-181548286-T-G.
Other names: c.695T>G, p.Ile232Ser (NM_000721.4, NM_001205294.2); short protein forms I232S.
Identifiers: ClinVar variation 3359706 (VCV003359706.1).
Genomic context (GRCh38, chr1:181,579,150, plus strand): 5'-AGTCCATCATGAAGGCCATGGTACCTCTTCTGCAGATTGGCCTTCTGCTCTTCTTTGCCA[T>G]CCTGATGTTTGCTATCATTGGTTTGGAGTTCTACAGTGGCAAGTTACATCGAGCATGCTT-3'
Protein context (NP_001192222.1, residues 222-242): LQIGLLLFFA[Ile232Ser]LMFAIIGLEF

ClinVar aggregate classification (germline): Uncertain significance (1 of 4 stars; one submission).

Submission:

GeneDx
Classification: Uncertain significance. Last evaluated: 2023-12-29. Review status: criteria provided, single submitter. Criteria: GeneDx Variant Classification Process June 2021. Collection method: clinical testing. Allele origin: germline. Affected: yes.
Comment: In silico analysis supports that this missense variant has a deleterious effect on protein structure/function; Not observed at significant frequency in large population cohorts (gnomAD); Has not been previously published as pathogenic or benign to our knowledge